The following is an entry in ClinVar:

NM_001845.6(COL4A1):c.2285T>A (p.Val762Glu)

Gene: COL4A1 (collagen type IV alpha 1 chain; minus strand). Cytogenetic location: 13q34.
Variant type: single nucleotide variant.
Coding change: c.2285T>A on transcript NM_001845.6 (MANE Select); coding-DNA position 2285, T replaced by A.
Protein change: p.Val762Glu; replaces valine 762 with glutamic acid.
Molecular consequence: missense variant.
Genome position (GRCh38, 1-based): chr13:110,179,330, A>T on the plus strand (T>A on the coding strand, the complement: COL4A1 is on the minus strand). VCF-style: chr13-110179330-A-T. GRCh37 (hg19) VCF-style: chr13-110831677-A-T.
Other names: short protein forms V762E.
Identifiers: ClinVar variation 2130641 (VCV002130641.4), dbSNP rs374930028, ClinGen allele CA388668639.

ClinVar aggregate classification (germline): Uncertain significance (1 of 4 stars; one submission).

gnomAD v4.1: 1 of 1,614,014 alleles (0.000062%); highest among the groups gnomAD compares: Middle Eastern, 0.016%; no homozygotes.

Submission:

Labcorp Genetics (formerly Invitae), Labcorp
Classification: Uncertain significance. Last evaluated: 2024-01-19. Review status: criteria provided, single submitter. Criteria: Invitae Variant Classification Sherloc (09022015). Collection method: clinical testing. Allele origin: germline.
Comment: This sequence change replaces valine, which is neutral and non-polar, with glutamic acid, which is acidic and polar, at codon 762 of the COL4A1 protein (p.Val762Glu). This variant is not present in population databases (gnomAD no frequency). This variant has not been reported in the literature in individuals affected with COL4A1-related conditions. ClinVar contains an entry for this variant (Variation ID: 2130641). Algorithms developed to predict the effect of missense changes on protein structure and function output the following: SIFT: "Not Available"; PolyPhen-2: "Possibly Damaging"; Align-GVGD: "Not Available". The glutamic acid amino acid residue is found in multiple mammalian species, which suggests that this missense change does not adversely affect protein function. In summary, the available evidence is currently insufficient to determine the role of this variant in disease. Therefore, it has been classified as a Variant of Uncertain Significance.